The following is an entry in ClinVar:

ClinVar aggregate classification (germline): Uncertain significance (1 of 4 stars; one submission).

Conditions:
Long QT syndrome (LQTS). Identifiers: MedGen C0023976, MeSH D008133, MONDO:0002442. Disease mechanism: loss of function. Inheritance: Various modes of inheritance.

Submission:

Labcorp Genetics (formerly Invitae), Labcorp
Classification: Uncertain significance for Long QT syndrome. Last evaluated: 2024-03-27. Review status: criteria provided, single submitter. Criteria: Invitae Variant Classification Sherloc (09022015). Collection method: clinical testing. Allele origin: germline.
Comment: This sequence change replaces proline, which is neutral and non-polar, with serine, which is neutral and polar, at codon 258 of the KCNH2 protein (p.Pro258Ser). This variant is not present in population databases (gnomAD no frequency). This variant has not been reported in the literature in individuals affected with KCNH2-related conditions. ClinVar contains an entry for this variant (Variation ID: 1060097). An algorithm developed to predict the effect of missense changes on protein structure and function (PolyPhen-2) suggests that this variant is likely to be tolerated. In summary, the available evidence is currently insufficient to determine the role of this variant in disease. Therefore, it has been classified as a Variant of Uncertain Significance.

NM_000238.4(KCNH2):c.772C>T (p.Pro258Ser)

Gene: KCNH2 (potassium voltage-gated channel subfamily H member 2; minus strand). Cytogenetic location: 7q36.1.
Variant type: single nucleotide variant.
Coding change: c.772C>T on transcript NM_000238.4 (MANE Select); coding-DNA position 772, C replaced by T.
Protein change: p.Pro258Ser; replaces proline 258 with serine.
Molecular consequence: missense variant.
Genome position (GRCh38, 1-based): chr7:150,958,203, G>A on the plus strand (C>T on the coding strand, the complement: KCNH2 is on the minus strand). VCF-style: chr7-150958203-G-A. GRCh37 (hg19) VCF-style: chr7-150655291-G-A.
Other names: c.484C>T, p.Pro162Ser (NM_001406753.1, NM_001406756.1); c.595C>T, p.Pro199Ser (NM_001406755.1); c.472C>T, p.Pro158Ser (NM_001406757.1); c.772C>T, p.Pro258Ser (NM_172056.3); short protein forms P258S, P199S, P158S, P162S.
Identifiers: ClinVar variation 1060097 (VCV001060097.10), dbSNP rs773928705, ClinGen allele CA169081252.